The following is an entry in ClinVar:

NM_001287491.2(TET3):c.1777G>A (p.Glu593Lys)

Gene: TET3 (tet methylcytosine dioxygenase 3; plus strand). Cytogenetic location: 2p13.1.
Variant type: single nucleotide variant.
Coding change: c.1777G>A on transcript NM_001287491.2 (MANE Select); coding-DNA position 1777, G replaced by A.
Protein change: p.Glu593Lys; replaces glutamic acid 593 with lysine.
Molecular consequence: missense variant.
Genome position (GRCh38, 1-based): chr2:74,047,694, G>A. VCF-style: chr2-74047694-G-A. GRCh37 (hg19) VCF-style: chr2-74274821-G-A.
Other names: c.1498G>A, p.Glu500Lys (NM_001366022.1); short protein forms E500K, E593K.
Identifiers: ClinVar variation 4881940 (VCV004881940.2).

ClinVar aggregate classification (germline): Uncertain significance (1 of 4 stars; one submission).

Conditions:
Beck-Fahrner syndrome (BEFAHRS). Identifiers: Orphanet 684216, MedGen C5394097, MONDO:0032922, OMIM 618798.

Submission:

Dasa
Classification: Uncertain significance for Beck-Fahrner syndrome. Last evaluated: 2025-08-07. Review status: criteria provided, single submitter. Criteria: DASA Assertion Criteria. Collection method: clinical testing. Allele origin: germline.
Comment: NM_001287491.2(TET3):c.1777G>A (p.Glu593Lys) is a missense variant that results in the substitution of glutamic acid with lysine. This variant is absent from population databases. Computational prediction algorithms are consistent with a benign effect. The currently available literature and clinical evidence are not sufficient to establish a definitive association between this variant and the reported condition. Therefore, this variant is classified as a variant of uncertain significance.